The following is an entry in ClinVar:

ClinVar aggregate classification (germline): Uncertain significance. Review status: criteria provided, multiple submitters, no conflicts (2 of 4 stars). 2 submissions from 2 submitters: Uncertain significance (2). Last evaluated 2025-10-21.

Conditions:
Inborn genetic diseases. Identifiers: MedGen C0950123, MeSH D030342.

Allele frequency attached by ClinVar (database versions not stated): ExAC 0.00001; gnomAD exomes 0.00002 and 0.00007; TOPMed 0.00005; gnomAD 0.00005.
gnomAD v4.1: 105 of 1,613,638 alleles (0.0065%); highest among the groups gnomAD compares: Non-Finnish European, 0.0081%; no homozygotes.

Submissions (2):

Ambry Genetics
Classification: Uncertain significance for Inborn genetic diseases. Last evaluated: 2025-10-21. Review status: criteria provided, single submitter. Criteria: Ambry Variant Classification Scheme 2023. Collection method: clinical testing. Allele origin: germline.

Labcorp Genetics (formerly Invitae), Labcorp
Classification: Uncertain significance. Last evaluated: 2022-04-25. Review status: criteria provided, single submitter. Criteria: Invitae Variant Classification Sherloc (09022015). Collection method: clinical testing. Allele origin: germline.
Comment: This sequence change replaces valine, which is neutral and non-polar, with leucine, which is neutral and non-polar, at codon 57 of the SC5D protein (p.Val57Leu). This variant is present in population databases (rs558820432, gnomAD 0.01%). This variant has not been reported in the literature in individuals affected with SC5D-related conditions. Algorithms developed to predict the effect of missense changes on protein structure and function are either unavailable or do not agree on the potential impact of this missense change (SIFT: "Deleterious"; PolyPhen-2: "Benign"; Align-GVGD: "Class C0"). In summary, the available evidence is currently insufficient to determine the role of this variant in disease. Therefore, it has been classified as a Variant of Uncertain Significance.

NM_006918.5(SC5D):c.169G>C (p.Val57Leu)

Gene: SC5D (sterol-C5-desaturase; plus strand). Cytogenetic location: 11q24.1.
Variant type: single nucleotide variant.
Coding change: c.169G>C on transcript NM_006918.5 (MANE Select); coding-DNA position 169, G replaced by C.
Protein change: p.Val57Leu; replaces valine 57 with leucine.
Molecular consequence: missense variant.
Genome position (GRCh38, 1-based): chr11:121,303,544, G>C. VCF-style: chr11-121303544-G-C. GRCh37 (hg19) VCF-style: chr11-121174253-G-C.
Other names: c.169G>C (NM_006918.4); c.169G>C, p.Val57Leu (NM_001024956.3); short protein forms V57L.
Identifiers: ClinVar variation 1394998 (VCV001394998.5), dbSNP rs558820432, ClinGen allele CA6328041.